The following is an entry in ClinVar:

NM_000228.3(LAMB3):c.2975del (p.Val992fs)

Gene: LAMB3 (laminin subunit beta 3; minus strand). Cytogenetic location: 1q32.2.
Variant type: Deletion.
Coding change: c.2975del on transcript NM_000228.3 (MANE Select); coding-DNA position 2975, one base deleted (T; older notation c.2975delT).
Protein change: p.Val992fs; shifts the reading frame from valine 992.
Molecular consequence: frameshift variant.
Genome position (GRCh38, 1-based): chr1:209,617,983, A deleted on the plus strand (T on the coding strand, the reverse complement: LAMB3 is on the minus strand). VCF-style (leftmost placement, unchanged base first): chr1-209617982-CA-C. GRCh37 (hg19) VCF-style: chr1-209791327-CA-C.
Other names: c.2975del, p.Val992fs (NM_001017402.2, NM_001127641.1); short protein forms V992fs.
Identifiers: ClinVar variation 2916145 (VCV002916145.3), dbSNP rs770548526, ClinGen allele CA1375029.

ClinVar aggregate classification (germline): Pathogenic (1 of 4 stars; one submission).

Allele frequency attached by ClinVar (database versions not stated): gnomAD exomes below 0.00001; ExAC 0.00001.

Submission:

Labcorp Genetics (formerly Invitae), Labcorp
Classification: Pathogenic. Last evaluated: 2023-09-08. Review status: criteria provided, single submitter. Criteria: Invitae Variant Classification Sherloc (09022015). Collection method: clinical testing. Allele origin: germline.
Comment: For these reasons, this variant has been classified as Pathogenic. This variant has not been reported in the literature in individuals affected with LAMB3-related conditions. This variant is present in population databases (rs770548526, gnomAD 0.006%). This sequence change creates a premature translational stop signal (p.Val992Glyfs*38) in the LAMB3 gene. It is expected to result in an absent or disrupted protein product. Loss-of-function variants in LAMB3 are known to be pathogenic (PMID: 11023379, 16473856).

Literature cited by the submitters: PubMed 11023379; PubMed 16473856.